The following is an entry in ClinVar:

NM_000051.4(ATM):c.1065+1G>A

Gene: ATM (ATM serine/threonine kinase; plus strand). Cytogenetic location: 11q22.3.
Variant type: single nucleotide variant.
Coding change: c.1065+1G>A on transcript NM_000051.4 (MANE Select); the canonical splice donor site of the intron after coding-DNA position 1065, G replaced by A.
Molecular consequence: splice donor variant.
Genome position (GRCh38, 1-based): chr11:108,247,128, G>A. VCF-style: chr11-108247128-G-A. GRCh37 (hg19) VCF-style: chr11-108117855-G-A.
Other names: c.1065+1G>A (NM_001351834.2).
Identifiers: ClinVar variation 1475185 (VCV001475185.8), dbSNP rs201089102, ClinGen allele CA382531868.

ClinVar aggregate classification (germline): Pathogenic (1 of 4 stars; one submission).

Conditions:
Ataxia-telangiectasia syndrome (AT). Also called: ATAXIA-TELANGIECTASIA, COMPLEMENTATION GROUP A; ATAXIA-TELANGIECTASIA, FRESNO VARIANT; LOUIS-BAR SYNDROME; Ataxia-telangiectasia; Cerebello-oculocutaneous telangiectasia; Immunodeficiency with ataxia telangiectasia. Identifiers: Orphanet 100, MedGen C0004135, MONDO:0008840, OMIM 208900.

Submission:

Labcorp Genetics (formerly Invitae), Labcorp
Classification: Pathogenic for Ataxia-telangiectasia syndrome. Last evaluated: 2025-01-27. Review status: criteria provided, single submitter. Criteria: Invitae Variant Classification Sherloc (09022015). Collection method: clinical testing. Allele origin: germline.
Comment: This sequence change affects a donor splice site in intron 8 of the ATM gene. RNA analysis indicates that disruption of this splice site induces altered splicing and may result in an absent or altered protein product. This variant is not present in population databases (gnomAD no frequency). Disruption of this splice site has been observed in individual(s) with ATM-related cancers (PMID: 28687971, 28888541, 32581083). ClinVar contains an entry for this variant (Variation ID: 1475185). Studies have shown that disruption of this splice site results in activation of a cryptic splice site, and produces a non-functional protein and/or introduces a premature termination codon (internal data). For these reasons, this variant has been classified as Pathogenic.

Literature cited by the submitters: PubMed 28687971; PubMed 28888541; PubMed 32581083.